The following is an entry in ClinVar:

Conditions:
Breast-ovarian cancer, familial, susceptibility to, 1 (BROVCA1). Also called: BRCA1 Hereditary Breast and Ovarian Cancer; OVARIAN CANCER, SUSCEPTIBILITY TO. Identifiers: Orphanet 145, MedGen C2676676, MONDO:0011450, OMIM 604370. Disease mechanism: loss of function.

Submission:

Brotman Baty Institute, University of Washington
No classification provided (evidence only). Condition: Breast-ovarian cancer, familial 1. Review status: no classification provided. Collection method: in vitro. Allele origin: not applicable. Functional consequence: functionally_normal.
ClinVar note: "not provided" was previously submitted as the classification for the variant. However, the classification appeared to be based only on an observation of functional data so it was converted to no classification on 2025-07-30.

NM_007294.4(BRCA1):c.142A>T (p.Met48Leu)

Gene: BRCA1 (BRCA1 DNA repair associated; minus strand). Cytogenetic location: 17q21.31.
Variant type: single nucleotide variant.
Coding change: c.142A>T on transcript NM_007294.4 (MANE Select); coding-DNA position 142, A replaced by T.
Protein change: p.Met48Leu; replaces methionine 48 with leucine.
Molecular consequence: missense variant. On other transcripts: initiator codon variant (1), non-coding transcript variant (1).
Genome position (GRCh38, 1-based): chr17:43,106,526, T>A on the plus strand (A>T on the coding strand, the complement: BRCA1 is on the minus strand). VCF-style: chr17-43106526-T-A. GRCh37 (hg19) VCF-style: chr17-41258543-T-A.
Other names: c.142A>T, p.Met48Leu (NM_001408438.1, NM_001408439.1, NM_001408440.1 and 168 more transcripts); c.1A>T, p.Met1Leu (NM_001408452.1, NM_001408453.1, NM_001408454.1 and 99 more transcripts); c.-47A>T (NM_001408483.1, NM_001408484.1, NM_001408485.1 and 58 more transcripts); short protein forms M48L, M1L.
Identifiers: ClinVar variation 865194 (VCV000865194.4), dbSNP rs879255477, ClinGen allele CA10601871.